The following is an entry in ClinVar:

NM_001042492.3(NF1):c.2836G>A (p.Asp946Asn)

Gene: NF1 (neurofibromin 1; plus strand). Cytogenetic location: 17q11.2.
Variant type: single nucleotide variant.
Coding change: c.2836G>A on transcript NM_001042492.3 (MANE Select); coding-DNA position 2836, G replaced by A.
Protein change: p.Asp946Asn; replaces aspartic acid 946 with asparagine.
Molecular consequence: missense variant.
Genome position (GRCh38, 1-based): chr17:31,229,451, G>A. VCF-style: chr17-31229451-G-A. GRCh37 (hg19) VCF-style: chr17-29556469-G-A.
Other names: c.2836G>A, p.Asp946Asn (NM_000267.4); short protein forms D946N.
Identifiers: ClinVar variation 4025179 (VCV004025179.1).

ClinVar aggregate classification (germline): Uncertain significance (1 of 4 stars; one submission).

Conditions:
Cardiovascular phenotype. Identifiers: MedGen CN230736.
Hereditary cancer-predisposing syndrome. Also called: Tumor predisposition; Hereditary neoplastic syndrome; Neoplastic Syndromes, Hereditary; Hereditary Cancer Syndrome. Identifiers: Orphanet 140162, MedGen C0027672, MeSH D009386, MONDO:0015356.

Submission:

Ambry Genetics
Classification: Uncertain significance for Cardiovascular phenotype; Hereditary cancer-predisposing syndrome. Last evaluated: 2025-04-28. Review status: criteria provided, single submitter. Criteria: Ambry Variant Classification Scheme 2023. Collection method: clinical testing. Allele origin: germline.
Comment: The p.D946N variant (also known as c.2836G>A), located in coding exon 21 of the NF1 gene, results from a G to A substitution at nucleotide position 2836. The aspartic acid at codon 946 is replaced by asparagine, an amino acid with highly similar properties. This amino acid position is conserved. In addition, this alteration is predicted to be tolerated by in silico analysis. Based on the available evidence, the clinical significance of this variant remains unclear.